The following is an entry in ClinVar:

ClinVar aggregate classification (germline): Uncertain significance (0 of 4 stars; one submission).

Conditions:
KDM5B-related disorder. Also called: KDM5B-related condition.

gnomAD v4.1: 3 of 1,614,042 alleles (0.00019%); highest among the groups gnomAD compares: Admixed American, 0.0017%; no homozygotes.

Submission:

PreventionGenetics, part of Exact Sciences
Classification: Uncertain significance for KDM5B-related condition. Last evaluated: 2024-05-20. Review status: no assertion criteria provided. Collection method: clinical testing. Allele origin: germline.
Comment: The KDM5B c.4297C>T variant is predicted to result in the amino acid substitution p.Pro1433Ser. To our knowledge, this variant has not been reported in the literature. This variant is reported in 0.0029% of alleles in individuals of Latino descent in gnomAD. At this time, the clinical significance of this variant is uncertain due to the absence of conclusive functional and genetic evidence.

NM_006618.5(KDM5B):c.4297C>T (p.Pro1433Ser)

Gene: KDM5B (lysine demethylase 5B; minus strand). Cytogenetic location: 1q32.1.
Variant type: single nucleotide variant.
Coding change: c.4297C>T on transcript NM_006618.5 (MANE Select); coding-DNA position 4297, C replaced by T.
Protein change: p.Pro1433Ser; replaces proline 1433 with serine.
Molecular consequence: missense variant.
Genome position (GRCh38, 1-based): chr1:202,729,907, G>A on the plus strand (C>T on the coding strand, the complement: KDM5B is on the minus strand). VCF-style: chr1-202729907-G-A. GRCh37 (hg19) VCF-style: chr1-202699035-G-A.
Other names: c.4405C>T, p.Pro1469Ser (NM_001314042.2); c.4162C>T, p.Pro1388Ser (NM_001347591.2); c.4282C>T, p.Pro1428Ser (NM_001399817.1); short protein forms P1388S, P1428S, P1433S, P1469S.
Identifiers: ClinVar variation 3355086 (VCV003355086.1).
Genomic context (GRCh38, chr1:202,729,907, plus strand): 5'-TCTCTAACTTGAAATTGTTCATGTCCTTGGGGTGGCTCAGTTTGATTTTCTTCTTTTTGG[G>A]GGTCCGCATTTTCTTAACTCGTTCCCACCGCTCACTGGAGAGGCCCTCTCTTTCCAGGCG-3'
Protein context (NP_006609.3, residues 1423-1443): RWERVKKMRT[Pro1433Ser]KKKKIKLSHP